The following is an entry in ClinVar:

ClinVar aggregate classification (germline): Conflicting classifications of pathogenicity. Review status: criteria provided, conflicting classifications (1 of 4 stars). 2 submissions from 2 submitters: Uncertain significance (1); Likely benign (1). Last evaluated 2025-10-29.

Conditions:
Inborn genetic diseases. Identifiers: MedGen C0950123, MeSH D030342.

Allele frequency attached by ClinVar (database versions not stated): TOPMed 0.00009; gnomAD 0.00007; ESP Exome Variant Server 0.00008; 1000 Genomes Project 30x 0.00016.
gnomAD v4.1: 38 of 1,613,686 alleles (0.0024%); highest among the groups gnomAD compares: Admixed American, 0.027%; no homozygotes.

Submissions (2):

Ambry Genetics
Classification: Likely benign for Inborn genetic diseases. Last evaluated: 2025-10-29. Review status: criteria provided, single submitter. Criteria: Ambry Variant Classification Scheme 2023. Collection method: clinical testing. Allele origin: germline.

Labcorp Genetics (formerly Invitae), Labcorp
Classification: Uncertain significance. Last evaluated: 2021-08-14. Review status: criteria provided, single submitter. Criteria: Invitae Variant Classification Sherloc (09022015). Collection method: clinical testing. Allele origin: germline.
Comment: This sequence change replaces arginine with glutamine at codon 458 of the C7 protein (p.Arg458Gln). The arginine residue is moderately conserved and there is a small physicochemical difference between arginine and glutamine. This variant is present in population databases (rs369303619, ExAC 0.01%). This variant has not been reported in the literature in individuals affected with C7-related conditions. Algorithms developed to predict the effect of missense changes on protein structure and function output the following: SIFT: "Tolerated"; PolyPhen-2: "Benign"; Align-GVGD: "Class C0". The glutamine amino acid residue is found in multiple mammalian species, which suggests that this missense change does not adversely affect protein function. Algorithms developed to predict the effect of sequence changes on RNA splicing suggest that this variant may create or strengthen a splice site. In summary, the available evidence is currently insufficient to determine the role of this variant in disease. Therefore, it has been classified as a Variant of Uncertain Significance.

NM_000587.4(C7):c.1373G>A (p.Arg458Gln)

Gene: C7 (complement C7; plus strand). Cytogenetic location: 5p13.1.
Variant type: single nucleotide variant.
Coding change: c.1373G>A on transcript NM_000587.4 (MANE Select); coding-DNA position 1373, G replaced by A.
Protein change: p.Arg458Gln; replaces arginine 458 with glutamine.
Molecular consequence: missense variant.
Genome position (GRCh38, 1-based): chr5:40,958,145, G>A. VCF-style: chr5-40958145-G-A. GRCh37 (hg19) VCF-style: chr5-40958247-G-A.
Other names: c.1373G>A (NM_000587.2); short protein forms R458Q.
Identifiers: ClinVar variation 1489135 (VCV001489135.6), dbSNP rs369303619, ClinGen allele CA3249950.